The following is an entry in ClinVar:

NM_019109.5(ALG1):c.1369G>A (p.Val457Met)

Genes: ALG1 (ALG1 chitobiosyldiphosphodolichol beta-mannosyltransferase; plus strand), EEF2KMT (eukaryotic elongation factor 2 lysine methyltransferase; minus strand). Cytogenetic location: 16p13.3.
Variant type: single nucleotide variant.
Coding change: c.1369G>A on transcript NM_019109.5 (MANE Select); coding-DNA position 1369, G replaced by A.
Protein change: p.Val457Met; replaces valine 457 with methionine.
Molecular consequence: missense variant. On other transcripts: 3 prime UTR variant (3).
Genome position (GRCh38, 1-based): chr16:5,084,855, G>A. VCF-style: chr16-5084855-G-A. GRCh37 (hg19) VCF-style: chr16-5134856-G-A.
Other names: c.*777C>T (NM_001289029.2, NM_201400.4, NM_201598.4); c.1036G>A, p.Val346Met (NM_001330504.2); short protein forms V346M, V457M.
Identifiers: ClinVar variation 1985776 (VCV001985776.1), dbSNP rs574420062, ClinGen allele CA277165791.

ClinVar aggregate classification (germline): Uncertain significance (1 of 4 stars; one submission).

Conditions:
ALG1-congenital disorder of glycosylation. Also called: CONGENITAL DISORDER OF GLYCOSYLATION, TYPE Ik; CDG Ik; ALG1-CDG. Identifiers: Orphanet 79327, MedGen C2931005, MONDO:0012052, OMIM 608540.

Allele frequency attached by ClinVar (database versions not stated): gnomAD exomes 0.00001; gnomAD 0.00002; TOPMed 0.00004; 1000 Genomes Project 30x 0.00016; 1000 Genomes Project 0.00020.
gnomAD v4.1: 9 of 1,596,438 alleles (0.00056%); highest among the groups gnomAD compares: African/African-American, 0.011%; no homozygotes.

Submission:

Labcorp Genetics (formerly Invitae), Labcorp
Classification: Uncertain significance for ALG1-congenital disorder of glycosylation. Last evaluated: 2022-05-03. Review status: criteria provided, single submitter. Criteria: Invitae Variant Classification Sherloc (09022015). Collection method: clinical testing. Allele origin: germline.
Comment: This sequence change replaces valine, which is neutral and non-polar, with methionine, which is neutral and non-polar, at codon 457 of the ALG1 protein (p.Val457Met). The frequency data for this variant in the population databases is considered unreliable, as metrics indicate poor data quality at this position in the gnomAD database. This variant has not been reported in the literature in individuals affected with ALG1-related conditions. Advanced modeling of protein sequence and biophysical properties (such as structural, functional, and spatial information, amino acid conservation, physicochemical variation, residue mobility, and thermodynamic stability) performed at Invitae indicates that this missense variant is expected to disrupt ALG1 protein function. In summary, the available evidence is currently insufficient to determine the role of this variant in disease. Therefore, it has been classified as a Variant of Uncertain Significance.